The following is an entry in ClinVar:

ClinVar aggregate classification (germline): Uncertain significance (1 of 4 stars; one submission).

Submission:

GeneDx
Classification: Uncertain significance. Last evaluated: 2024-11-01. Review status: criteria provided, single submitter. Criteria: GeneDx Variant Classification Process June 2021. Collection method: clinical testing. Allele origin: germline. Affected: yes.
Comment: Not observed at significant frequency in large population cohorts (gnomAD); In silico analysis supports that this missense variant has a deleterious effect on protein structure/function; Has not been previously published as pathogenic or benign to our knowledge

NM_014491.4(FOXP2):c.1570C>A (p.Gln524Lys)

Gene: FOXP2 (forkhead box P2; plus strand). Cytogenetic location: 7q31.1.
Variant type: single nucleotide variant.
Coding change: c.1570C>A on transcript NM_014491.4 (MANE Select); coding-DNA position 1570, C replaced by A.
Protein change: p.Gln524Lys; replaces glutamine 524 with lysine.
Molecular consequence: missense variant. On other transcripts: non-coding transcript variant (2).
Genome position (GRCh38, 1-based): chr7:114,659,596, C>A. VCF-style: chr7-114659596-C-A. GRCh37 (hg19) VCF-style: chr7-114299651-C-A.
Other names: c.1567C>A, p.Gln523Lys (NM_001172766.3); c.1645C>A, p.Gln549Lys (NM_148898.4); c.1621C>A, p.Gln541Lys (NM_148900.4); short protein forms Q523K, Q524K, Q541K, Q549K.
Identifiers: ClinVar variation 3897387 (VCV003897387.1).